The following is an entry in ClinVar:

ClinVar aggregate classification (germline): Uncertain significance. Review status: criteria provided, multiple submitters, no conflicts (2 of 4 stars). 2 submissions from 2 submitters: Uncertain significance (2). Last evaluated 2024-09-24.

Conditions:
Cardiovascular phenotype. Identifiers: MedGen CN230736.
Dilated cardiomyopathy 1HH (CMD1HH). Identifiers: Orphanet 154, MedGen C3151293, MONDO:0013479, OMIM 613881.
Myofibrillar myopathy 6. Identifiers: Orphanet 199340, MedGen C2751831, MONDO:0013061, OMIM 612954.

gnomAD v4.1: 2 of 1,614,068 alleles (0.00012%); highest among the groups gnomAD compares: Admixed American, 0.0017%; no homozygotes.

Submissions (2):

Ambry Genetics
Classification: Uncertain significance for Cardiovascular phenotype. Last evaluated: 2024-09-24. Review status: criteria provided, single submitter. Criteria: Ambry Variant Classification Scheme 2023. Collection method: clinical testing. Allele origin: germline.
Comment: The p.G278D variant (also known as c.833G>A), located in coding exon 3 of the BAG3 gene, results from a G to A substitution at nucleotide position 833. The glycine at codon 278 is replaced by aspartic acid, an amino acid with similar properties. This amino acid position is conserved. In addition, this alteration is predicted to be tolerated by in silico analysis. Based on the available evidence, the clinical significance of this variant remains unclear.

Labcorp Genetics (formerly Invitae), Labcorp
Classification: Uncertain significance for Dilated cardiomyopathy 1HH; Myofibrillar myopathy 6. Last evaluated: 2024-03-21. Review status: criteria provided, single submitter. Criteria: Invitae Variant Classification Sherloc (09022015). Collection method: clinical testing. Allele origin: germline.
Comment: This sequence change replaces glycine, which is neutral and non-polar, with aspartic acid, which is acidic and polar, at codon 278 of the BAG3 protein (p.Gly278Asp). This variant is present in population databases (rs200232102, gnomAD 0.003%). This variant has not been reported in the literature in individuals affected with BAG3-related conditions. Advanced modeling of protein sequence and biophysical properties (such as structural, functional, and spatial information, amino acid conservation, physicochemical variation, residue mobility, and thermodynamic stability) performed at Invitae indicates that this missense variant is not expected to disrupt BAG3 protein function with a negative predictive value of 80%. In summary, the available evidence is currently insufficient to determine the role of this variant in disease. Therefore, it has been classified as a Variant of Uncertain Significance.

NM_004281.4(BAG3):c.833G>A (p.Gly278Asp)

Gene: BAG3 (BAG cochaperone 3; plus strand). Cytogenetic location: 10q26.11.
Variant type: single nucleotide variant.
Coding change: c.833G>A on transcript NM_004281.4 (MANE Select); coding-DNA position 833, G replaced by A.
Protein change: p.Gly278Asp; replaces glycine 278 with aspartic acid.
Molecular consequence: missense variant.
Genome position (GRCh38, 1-based): chr10:119,672,580, G>A. VCF-style: chr10-119672580-G-A. GRCh37 (hg19) VCF-style: chr10-121432092-G-A.
Other names: short protein forms G278D.
Identifiers: ClinVar variation 3474807 (VCV003474807.3).